The following is an entry in ClinVar:

NM_031885.5(BBS2):c.1931dup (p.Tyr644Ter)

Gene: BBS2 (Bardet-Biedl syndrome 2; minus strand). Cytogenetic location: 16q13.
Variant type: Duplication.
Coding change: c.1931dup on transcript NM_031885.5 (MANE Select); coding-DNA position 1931, one base duplicated (A; older notation c.1931dupA).
Protein change: p.Tyr644Ter; replaces tyrosine 644 with a stop codon.
Molecular consequence: nonsense. On other transcripts: non-coding transcript variant (5).
Genome position (GRCh38, 1-based): chr16:56,485,718, T duplicated on the plus strand (A on the coding strand, the reverse complement: BBS2 is on the minus strand). VCF-style (leftmost placement, unchanged base first): chr16-56485717-A-AT. GRCh37 (hg19) VCF-style: chr16-56519629-A-AT.
Other names: c.1931dup, p.Tyr644Ter (NM_001377456.1); short protein forms Y644*.
Identifiers: ClinVar variation 969600 (VCV000969600.14), dbSNP rs1963758780, ClinGen allele CA1139664705.

ClinVar aggregate classification (germline): Pathogenic/Likely pathogenic. Review status: criteria provided, multiple submitters, no conflicts (2 of 4 stars). 5 submissions from 5 submitters: Pathogenic (1); Likely pathogenic (2). 2 of the submissions do not count toward it. Last evaluated 2024-03-07.

Conditions:
Bardet-Biedl syndrome (BBS). Identifiers: Orphanet 110, MedGen C0752166, MONDO:0015229.
Bardet-Biedl syndrome 2 (BBS2). Identifiers: Orphanet 110, MedGen C2936863, MONDO:0014432, OMIM 615981.
Retinitis pigmentosa 74 (RP74). Identifiers: Orphanet 791, MedGen C4225281, MONDO:0014692, OMIM 616562.

Allele frequency attached by ClinVar (database versions not stated): gnomAD exomes below 0.00001.

Submissions (5):

Fulgent Genetics
Classification: Likely pathogenic for Bardet-Biedl syndrome 2; Retinitis pigmentosa 74. Last evaluated: 2024-03-07. Review status: criteria provided, single submitter. Criteria: ACMG Guidelines, 2015. Collection method: clinical testing. Allele origin: germline.

Labcorp Genetics (formerly Invitae), Labcorp
Classification: Pathogenic for Bardet-Biedl syndrome. Last evaluated: 2023-10-06. Review status: criteria provided, single submitter. Criteria: Invitae Variant Classification Sherloc (09022015). Collection method: clinical testing. Allele origin: germline.
Comment: This sequence change creates a premature translational stop signal (p.Tyr644*) in the BBS2 gene. It is expected to result in an absent or disrupted protein product. Loss-of-function variants in BBS2 are known to be pathogenic (PMID: 11285252, 20177705, 24608809, 26518167). This variant is not present in population databases (gnomAD no frequency). This premature translational stop signal has been observed in individuals with Bardet-Biedl syndrome (PMID: 26078953, 28800606). ClinVar contains an entry for this variant (Variation ID: 969600). For these reasons, this variant has been classified as Pathogenic.

Baylor Genetics
Classification: Likely pathogenic for Bardet-Biedl syndrome 2. Last evaluated: 2022-12-19. Review status: criteria provided, single submitter. Criteria: ACMG Guidelines, 2015. Collection method: clinical testing. Allele origin: unknown.

Clinical Genetics, Academic Medical Center
Classification: Pathogenic. Review status: no assertion criteria provided. Collection method: clinical testing. Allele origin: germline. Affected: yes. Study: VKGL Data-share Consensus. Not counted in ClinVar's aggregate classification.

Genome Diagnostics Laboratory, Amsterdam University Medical Center
Classification: Pathogenic. Review status: no assertion criteria provided. Collection method: clinical testing. Allele origin: germline. Affected: yes. Study: VKGL Data-share Consensus. Not counted in ClinVar's aggregate classification.

Literature cited by the submitters: PubMed 11285252 (cited by Labcorp Genetics (formerly Invitae), Labcorp); PubMed 20177705 (cited by Labcorp Genetics (formerly Invitae), Labcorp); PubMed 24608809 (cited by Labcorp Genetics (formerly Invitae), Labcorp); PubMed 26518167 (cited by Labcorp Genetics (formerly Invitae), Labcorp); PubMed 26078953 (cited by Labcorp Genetics (formerly Invitae), Labcorp); PubMed 28800606 (cited by Labcorp Genetics (formerly Invitae), Labcorp).